The following is an entry in ClinVar:

NM_000051.4(ATM):c.5230A>G (p.Lys1744Glu)

Gene: ATM (ATM serine/threonine kinase; plus strand). Cytogenetic location: 11q22.3.
Variant type: single nucleotide variant.
Coding change: c.5230A>G on transcript NM_000051.4 (MANE Select); coding-DNA position 5230, A replaced by G.
Protein change: p.Lys1744Glu; replaces lysine 1744 with glutamic acid.
Molecular consequence: missense variant.
Genome position (GRCh38, 1-based): chr11:108,301,700, A>G. VCF-style: chr11-108301700-A-G. GRCh37 (hg19) VCF-style: chr11-108172427-A-G.
Other names: c.5230A>G, p.Lys1744Glu (NM_001351834.2); short protein forms K1744E.
Identifiers: ClinVar variation 4169231 (VCV004169231.1).

ClinVar aggregate classification (germline): Uncertain significance (1 of 4 stars; one submission).

Conditions:
Hereditary cancer-predisposing syndrome. Also called: Neoplastic Syndromes, Hereditary; Tumor predisposition; Hereditary Cancer Syndrome; Hereditary neoplastic syndrome. Identifiers: Orphanet 140162, MedGen C0027672, MeSH D009386, MONDO:0015356.

gnomAD v4.1: 5 of 1,613,802 alleles (0.00031%); highest among the groups gnomAD compares: Non-Finnish European, 0.00034%; no homozygotes.

Submission:

Ambry Genetics
Classification: Uncertain significance for Hereditary cancer-predisposing syndrome. Last evaluated: 2025-07-21. Review status: criteria provided, single submitter. Criteria: Ambry Variant Classification Scheme 2023. Collection method: clinical testing. Allele origin: germline.
Comment: The p.K1744E variant (also known as c.5230A>G), located in coding exon 34 of the ATM gene, results from an A to G substitution at nucleotide position 5230. The lysine at codon 1744 is replaced by glutamic acid, an amino acid with similar properties. This amino acid position is well conserved in available vertebrate species. In addition, the in silico prediction for this alteration is inconclusive. Based on the available evidence, the clinical significance of this variant remains unclear.